The following is an entry in ClinVar:

ClinVar aggregate classification (germline): Uncertain significance. Review status: criteria provided, multiple submitters, no conflicts (2 of 4 stars). 3 submissions from 3 submitters: Uncertain significance (2). 1 of the submissions does not count toward it. Last evaluated 2022-07-26.

Conditions:
Nemaline myopathy 2 (NEM2). Also called: Nemaline myopathy 2, autosomal recessive. Identifiers: MedGen C1850569, MONDO:0009725, OMIM 256030.

Allele frequency attached by ClinVar (database versions not stated): gnomAD 0.00003; gnomAD exomes 0.00005; TOPMed 0.00005; ESP Exome Variant Server 0.00022.
gnomAD v4.1: 93 of 1,613,682 alleles (0.0058%); highest among the groups gnomAD compares: Non-Finnish European, 0.007%; no homozygotes.

Submissions (3):

Labcorp Genetics (formerly Invitae), Labcorp
Classification: Uncertain significance for Nemaline myopathy 2. Last evaluated: 2022-07-26. Review status: criteria provided, single submitter. Criteria: Invitae Variant Classification Sherloc (09022015). Collection method: clinical testing. Allele origin: germline.
Comment: This sequence change replaces serine, which is neutral and polar, with cysteine, which is neutral and slightly polar, at codon 3158 of the NEB protein (p.Ser3158Cys). This variant is present in population databases (rs377606986, gnomAD 0.01%). This variant has not been reported in the literature in individuals affected with NEB-related conditions. ClinVar contains an entry for this variant (Variation ID: 578811). Algorithms developed to predict the effect of missense changes on protein structure and function are either unavailable or do not agree on the potential impact of this missense change (SIFT: "Deleterious"; PolyPhen-2: "Not Available"; Align-GVGD: "Class C0"). Algorithms developed to predict the effect of sequence changes on RNA splicing suggest that this variant may create or strengthen a splice site. In summary, the available evidence is currently insufficient to determine the role of this variant in disease. Therefore, it has been classified as a Variant of Uncertain Significance.

Revvity Omics, Revvity
Classification: Uncertain significance. Last evaluated: 2019-10-17. Review status: criteria provided, single submitter. Criteria: ACMG Guidelines, 2015. Collection method: clinical testing. Allele origin: germline.

Natera, Inc.
Classification: Uncertain significance for Nemaline myopathy type 2. Last evaluated: 2019-11-11. Review status: no assertion criteria provided. Collection method: clinical testing. Allele origin: germline. Not counted in ClinVar's aggregate classification.

NM_001164508.2(NEB):c.9473C>G (p.Ser3158Cys)

Gene: NEB (nebulin; minus strand). Cytogenetic location: 2q23.3.
Variant type: single nucleotide variant.
Coding change: c.9473C>G on transcript NM_001164508.2 (MANE Select); coding-DNA position 9473, C replaced by G.
Protein change: p.Ser3158Cys; replaces serine 3158 with cysteine.
Molecular consequence: missense variant. On other transcripts: intron variant (1).
Genome position (GRCh38, 1-based): chr2:151,631,288, G>C on the plus strand (C>G on the coding strand, the complement: NEB is on the minus strand). VCF-style: chr2-151631288-G-C. GRCh37 (hg19) VCF-style: chr2-152487802-G-C.
Other names: c.9473C>G, p.Ser3158Cys (NM_001164507.2, NM_001271208.2); c.8854-110C>G (NM_004543.5); short protein forms S3158C.
Identifiers: ClinVar variation 578811 (VCV000578811.11), dbSNP rs377606986, ClinGen allele CA1909311.